The following is an entry in ClinVar:

ClinVar aggregate classification (germline): Uncertain significance (1 of 4 stars; one submission).

Conditions:
Hepatoencephalopathy due to combined oxidative phosphorylation defect type 1. Also called: HEPATOENCEPHALOPATHY, EARLY FATAL PROGRESSIVE. Identifiers: Orphanet 137681, MedGen C1836797, MONDO:0012191, OMIM 609060.

Submission:

3billion
Classification: Uncertain significance for Hepatoencephalopathy due to combined oxidative phosphorylation defect type 1. Last evaluated: 2023-02-23. Review status: criteria provided, single submitter. Criteria: ACMG Guidelines, 2015. Collection method: clinical testing. Allele origin: unknown. Affected: yes.
Comment: The variant is not observed in the gnomAD v2.1.1 dataset. In silico tool predictions suggest damaging effect of the variant on gene or gene product (REVEL: 0.69; 3Cnet: 0.13). Same nucleotide change resulting in same amino acid change has been previously reported to be associated with GFM1 related disorder (PMID: 32776492). However, the evidence of pathogenicity is insufficient at this time. Therefore, this variant is classified as VUS according to the recommendation of ACMG/AMP guideline.

Literature cited by the submitters: PubMed 32776492.

NM_024996.7(GFM1):c.679G>A (p.Gly227Arg)

Gene: GFM1 (G elongation factor mitochondrial 1; plus strand). Cytogenetic location: 3q25.32.
Variant type: single nucleotide variant.
Coding change: c.679G>A on transcript NM_024996.7 (MANE Select); coding-DNA position 679, G replaced by A.
Protein change: p.Gly227Arg; replaces glycine 227 with arginine.
Molecular consequence: missense variant. On other transcripts: non-coding transcript variant (2), intron variant (3).
Genome position (GRCh38, 1-based): chr3:158,649,147, G>A. VCF-style: chr3-158649147-G-A. GRCh37 (hg19) VCF-style: chr3-158366936-G-A.
Other names: c.679G>A, p.Gly227Arg (NM_001308164.2, NM_001308166.2, NM_001374355.1); c.454G>A, p.Gly152Arg (NM_001374357.1); c.112G>A, p.Gly38Arg (NM_001374359.1, NM_001374360.1); c.572+2200G>A (NM_001374356.1); c.6-2949G>A (NM_001374361.1); c.235-2953G>A (NM_001374358.1); short protein forms G152R, G227R, G38R.
Identifiers: ClinVar variation 2444405 (VCV002444405.1), dbSNP rs2473949647, ClinGen allele CA355176415.